The following is an entry in ClinVar:

ClinVar aggregate classification (germline): Uncertain significance (1 of 4 stars; one submission).

Allele frequency attached by ClinVar (database versions not stated): gnomAD exomes below 0.00001; TOPMed below 0.00001.
gnomAD v4.1: 3 of 1,609,958 alleles (0.00019%); highest among the groups gnomAD compares: Admixed American, 0.0017%; no homozygotes.

Submission:

Labcorp Genetics (formerly Invitae), Labcorp
Classification: Uncertain significance. Last evaluated: 2025-03-06. Review status: criteria provided, single submitter. Criteria: Invitae Variant Classification Sherloc (09022015). Collection method: clinical testing. Allele origin: germline.
Comment: This sequence change replaces isoleucine, which is neutral and non-polar, with methionine, which is neutral and non-polar, at codon 589 of the RASA2 protein (p.Ile589Met). This variant is not present in population databases (gnomAD no frequency). This variant has not been reported in the literature in individuals affected with RASA2-related conditions. ClinVar contains an entry for this variant (Variation ID: 3001851). Invitae Evidence Modeling of protein sequence and biophysical properties (such as structural, functional, and spatial information, amino acid conservation, physicochemical variation, residue mobility, and thermodynamic stability) indicates that this missense variant is expected to disrupt RASA2 protein function with a positive predictive value of 80%. In summary, the available evidence is currently insufficient to determine the role of this variant in disease. Therefore, it has been classified as a Variant of Uncertain Significance.

NM_006506.5(RASA2):c.1767T>G (p.Ile589Met)

Gene: RASA2 (RAS p21 protein activator 2; plus strand). Cytogenetic location: 3q23.
Variant type: single nucleotide variant.
Coding change: c.1767T>G on transcript NM_006506.5 (MANE Select); coding-DNA position 1767, T replaced by G.
Protein change: p.Ile589Met; replaces isoleucine 589 with methionine.
Molecular consequence: missense variant.
Genome position (GRCh38, 1-based): chr3:141,586,039, T>G. VCF-style: chr3-141586039-T-G. GRCh37 (hg19) VCF-style: chr3-141304881-T-G.
Other names: c.1767T>G, p.Ile589Met (NM_001303245.3, NM_001303246.3); short protein forms I589M.
Identifiers: ClinVar variation 3001851 (VCV003001851.3), dbSNP rs2083196039, ClinGen allele CA354781669.